The following is an entry in ClinVar:

ClinVar aggregate classification (germline): Pathogenic (1 of 4 stars; one submission).

Allele frequency attached by ClinVar (database versions not stated): TOPMed below 0.00001.

Submission:

Labcorp Genetics (formerly Invitae), Labcorp
Classification: Pathogenic. Last evaluated: 2024-03-29. Review status: criteria provided, single submitter. Criteria: Invitae Variant Classification Sherloc (09022015). Collection method: clinical testing. Allele origin: germline.
Comment: This sequence change creates a premature translational stop signal (p.Ser525*) in the ESCO2 gene. It is expected to result in an absent or disrupted protein product. Loss-of-function variants in ESCO2 are known to be pathogenic (PMID: 15821733, 16380922). This variant is not present in population databases (gnomAD no frequency). This variant has not been reported in the literature in individuals affected with ESCO2-related conditions. For these reasons, this variant has been classified as Pathogenic.

Literature cited by the submitters: PubMed 15821733; PubMed 16380922.

NM_001017420.3(ESCO2):c.1574C>G (p.Ser525Ter)

Gene: ESCO2 (establishment of sister chromatid cohesion N-acetyltransferase 2; plus strand). Cytogenetic location: 8p21.1.
Variant type: single nucleotide variant.
Coding change: c.1574C>G on transcript NM_001017420.3 (MANE Select); coding-DNA position 1574, C replaced by G.
Protein change: p.Ser525Ter; replaces serine 525 with a stop codon.
Molecular consequence: nonsense.
Genome position (GRCh38, 1-based): chr8:27,799,617, C>G. VCF-style: chr8-27799617-C-G. GRCh37 (hg19) VCF-style: chr8-27657134-C-G.
Other names: short protein forms S525*.
Identifiers: ClinVar variation 2713925 (VCV002713925.3), dbSNP rs1245163004, ClinGen allele CA370827229.